The following is an entry in ClinVar:

ClinVar aggregate classification (germline): Conflicting classifications of pathogenicity. Review status: criteria provided, conflicting classifications (1 of 4 stars). 5 submissions from 5 submitters: Uncertain significance (2); Likely benign (3). Last evaluated 2025-08-05.

Conditions:
Hypercholesterolemia, autosomal dominant, 3 (FHCL3). Also called: Familial Hypercholesterolemia, Autosomal Dominant, 3; PCSK9-Related Familial Hypercholesterolemia, Autosomal Dominant; Familial hypercholesterolemia 3. Identifiers: MedGen C1863551, MONDO:0011369, OMIM 603776.
Cardiovascular phenotype. Identifiers: MedGen CN230736.
Familial hypercholesterolemia. Also called: Familial hypercholesterolemias; Familial hypercholesterolaemia. Identifiers: MedGen C0020445, MONDO:0005439.

Allele frequency attached by ClinVar (database versions not stated): gnomAD below 0.00001 and 0.00002; TOPMed below 0.00001; gnomAD exomes 0.00004 and 0.00007; ExAC 0.00007; 1000 Genomes Project 0.00040; 1000 Genomes Project 30x 0.00047.

Submissions (5):

Labcorp Genetics (formerly Invitae), Labcorp
Classification: Likely benign for Hypercholesterolemia, autosomal dominant, 3. Last evaluated: 2025-08-05. Review status: criteria provided, single submitter. Criteria: Invitae Variant Classification Sherloc (09022015). Collection method: clinical testing. Allele origin: germline.

Color Diagnostics, LLC DBA Color Health
Classification: Uncertain significance for Familial hypercholesterolemia. Last evaluated: 2024-05-15. Review status: criteria provided, single submitter. Criteria: ACMG Guidelines, 2015. Collection method: clinical testing. Allele origin: germline.
Comment: This missense variant replaces valine with alanine at codon 423 of the PCSK9 protein. Computational prediction tools indicate that this variant has a neutral impact on protein structure and function. To our knowledge, functional studies have not been reported for this variant. This variant has not been reported in individuals affected with PCSK9-related disorders in the literature. This variant has been identified in 18/251234 chromosomes in the general population by the Genome Aggregation Database (gnomAD). The available evidence is insufficient to determine the role of this variant in disease conclusively. Therefore, this variant is classified as a Variant of Uncertain Significance.

Women's Health and Genetics/Laboratory Corporation of America, LabCorp
Classification: Likely benign. Last evaluated: 2023-09-04. Review status: criteria provided, single submitter. Criteria: LabCorp Variant Classification Summary - May 2015. Collection method: clinical testing. Allele origin: germline.

All of Us Research Program, National Institutes of Health
Classification: Uncertain significance for Hypercholesterolemia, autosomal dominant, 3. Last evaluated: 2023-08-15. Review status: criteria provided, single submitter. Criteria: ACMG Guidelines, 2015. Collection method: clinical testing. Allele origin: germline. Inheritance: Autosomal dominant inheritance. Observed: 2 variant alleles, 2 heterozygotes.
Comment: This missense variant replaces valine with alanine at codon 423 of the PCSK9 protein. Computational prediction suggests that this variant may not impact protein structure and function (internally defined REVEL score threshold <= 0.5, PMID: 27666373). To our knowledge, functional studies have not been reported for this variant. This variant has not been reported in individuals affected with familial hypercholesterolemia in the literature. This variant has been identified in 18/251234 chromosomes in the general population by the Genome Aggregation Database (gnomAD). The available evidence is insufficient to determine the role of this variant in disease conclusively. Therefore, this variant is classified as a Variant of Uncertain Significance.

This study involves interpretation of variants in research participants for the purpose of population health screening. Participant phenotype was not available at the time of variant classification. Additional details can be found in publication PMID: 35346344, PMCID: PMC8962531

Ambry Genetics
Classification: Likely benign for Cardiovascular phenotype. Last evaluated: 2021-12-23. Review status: criteria provided, single submitter. Criteria: Ambry Variant Classification Scheme 2023. Collection method: clinical testing. Allele origin: germline.

NM_174936.4(PCSK9):c.1268T>C (p.Val423Ala)

Gene: PCSK9 (proprotein convertase subtilisin/kexin type 9; plus strand). Cytogenetic location: 1p32.3.
Variant type: single nucleotide variant.
Coding change: c.1268T>C on transcript NM_174936.4 (MANE Select); coding-DNA position 1268, T replaced by C.
Protein change: p.Val423Ala; replaces valine 423 with alanine.
Molecular consequence: missense variant.
Genome position (GRCh38, 1-based): chr1:55,058,123, T>C. VCF-style: chr1-55058123-T-C. GRCh37 (hg19) VCF-style: chr1-55523796-T-C.
Other names: c.1391T>C, p.Val464Ala (NM_001407240.1); c.1268T>C, p.Val423Ala (NM_001407241.1); c.1271T>C, p.Val424Ala (NM_001407242.1); c.1211T>C, p.Val404Ala (NM_001407243.1); c.1076T>C, p.Val359Ala (NM_001407245.1); c.893T>C, p.Val298Ala (NM_001407246.1); short protein forms V423A, V424A, V464A, V298A, V404A, V359A.
Identifiers: ClinVar variation 627677 (VCV000627677.18), dbSNP rs555751342, ClinGen allele CA036156.
Genomic context (GRCh38, chr1:55,058,123, plus strand): 5'-AGCCGGAGCTCACCCTGGCCGAGTTGAGGCAGAGACTGATCCACTTCTCTGCCAAAGATG[T>C]CATCAATGAGGCCTGGTTCCCTGAGGACCAGCGGGTACTGACCCCCAACCTGGTGGCCGC-3'
Protein context (NP_777596.2, residues 413-433): QRLIHFSAKD[Val423Ala]INEAWFPEDQ